The following is an entry in ClinVar:

ClinVar aggregate classification (germline): Benign/Likely benign. Review status: criteria provided, multiple submitters, no conflicts (2 of 4 stars). 4 submissions from 4 submitters: Benign (1); Likely benign (3). Last evaluated 2026-07-10.

Conditions:
Rhabdoid tumor predisposition syndrome 2 (RTPS2). Identifiers: Orphanet 231108, Orphanet 69077, MedGen C2750074, MONDO:0013224, OMIM 613325.
Hereditary cancer-predisposing syndrome. Also called: Hereditary Cancer Syndrome; Hereditary neoplastic syndrome; Neoplastic Syndromes, Hereditary; Tumor predisposition. Identifiers: Orphanet 140162, MedGen C0027672, MeSH D009386, MONDO:0015356.

Submissions (4):

Myriad Genetics, Inc.
Classification: Benign for Rhabdoid tumor predisposition syndrome 2. Last evaluated: 2026-07-10. Review status: criteria provided, single submitter. Criteria: Myriad Autosomal Dominant, Autosomal Recessive and X-Linked Classification Criteria (2023). Collection method: clinical testing. Allele origin: unknown.
Comment: This variant is considered benign. This variant is a silent/synonymous amino acid change and it is not expected to impact splicing.

Labcorp Genetics (formerly Invitae), Labcorp
Classification: Likely benign for Rhabdoid tumor predisposition syndrome 2. Last evaluated: 2025-12-12. Review status: criteria provided, single submitter. Criteria: Invitae Variant Classification Sherloc (09022015). Collection method: clinical testing. Allele origin: germline.

CeGaT Center for Human Genetics Tuebingen
Classification: Likely benign. Last evaluated: 2025-08-01. Review status: criteria provided, single submitter. Criteria: CeGaT Center For Human Genetics Tuebingen Variant Classification Criteria Version 2. Collection method: clinical testing. Allele origin: germline. Affected: yes. Observed: 2 variant alleles.
Comment: SMARCA4: BP4, BP7

Ambry Genetics
Classification: Likely benign for Hereditary cancer-predisposing syndrome. Last evaluated: 2017-06-23. Review status: criteria provided, single submitter. Criteria: Ambry Variant Classification Scheme 2023. Collection method: clinical testing. Allele origin: germline.

NM_003072.5(SMARCA4):c.1386C>T (p.Ile462=)

Gene: SMARCA4 (SWI/SNF related BAF chromatin remodeling complex subunit ATPase 4; plus strand). Cytogenetic location: 19p13.2.
Variant type: single nucleotide variant.
Coding change: c.1386C>T on transcript NM_003072.5 (MANE Select); coding-DNA position 1386, C replaced by T.
Protein change: p.Ile462=; no amino-acid change (isoleucine 462 retained).
Molecular consequence: synonymous variant. On other transcripts: non-coding transcript variant (1).
Genome position (GRCh38, 1-based): chr19:10,991,290, C>T. VCF-style: chr19-10991290-C-T. GRCh37 (hg19) VCF-style: chr19-11101966-C-T.
Other names: c.1386C>T, p.Ile462= (NM_001128844.3, NM_001128845.2, NM_001128846.2 and 5 more transcripts).
Identifiers: ClinVar variation 470242 (VCV000470242.36), dbSNP rs1265247876, ClinGen allele CA505490158.
Genomic context (GRCh38, chr19:10,991,290, plus strand): 5'-CAAGCGCCAGTCCCTGCGCGAGGCCCGCATCACTGAGAAGCTGGAGAAGCAGCAGAAGAT[C>T]GAGCAGGAGCGCAAGCGCCGGCAGAAGCACCAGGTACGCTCCGGTGGCCCCAAGGCCCTG-3'
Protein context (NP_003063.2, residues 452-472): ITEKLEKQQK[Ile462=]EQERKRRQKH